The following is an entry in ClinVar:

ClinVar aggregate classification (germline): Uncertain significance (1 of 4 stars; one submission).

Conditions:
Dyskeratosis congenita. Identifiers: Orphanet 1775, MedGen C0265965, MONDO:0015780.

Submission:

Ambry Genetics
Classification: Uncertain significance for Dyskeratosis congenita. Last evaluated: 2023-11-08. Review status: criteria provided, single submitter. Criteria: Ambry Variant Classification Scheme 2023. Collection method: clinical testing. Allele origin: germline.
Comment: The p.H304Q variant (also known as c.912C>G), located in coding exon 2 of the TERT gene, results from a C to G substitution at nucleotide position 912. The histidine at codon 304 is replaced by glutamine, an amino acid with highly similar properties. This amino acid position is conserved. In addition, this alteration is predicted to be tolerated by in silico analysis. Since supporting evidence is limited at this time, the clinical significance of this alteration remains unclear.

NM_198253.3(TERT):c.912C>G (p.His304Gln)

Gene: TERT (telomerase reverse transcriptase; minus strand). Cytogenetic location: 5p15.33.
Variant type: single nucleotide variant.
Coding change: c.912C>G on transcript NM_198253.3 (MANE Select); coding-DNA position 912, C replaced by G.
Protein change: p.His304Gln; replaces histidine 304 with glutamine.
Molecular consequence: missense variant. On other transcripts: non-coding transcript variant (2).
Genome position (GRCh38, 1-based): chr5:1,293,974, G>C on the plus strand (C>G on the coding strand, the complement: TERT is on the minus strand). VCF-style: chr5-1293974-G-C. GRCh37 (hg19) VCF-style: chr5-1294089-G-C.
Other names: c.912C>G, p.His304Gln (NM_001193376.3, NM_003219.1); short protein forms H304Q.
Identifiers: ClinVar variation 3238493 (VCV003238493.1), dbSNP rs2126686991.